The following is an entry in ClinVar:

NM_001287.6(CLCN7):c.2049dup (p.Leu684fs)

Gene: CLCN7 (chloride voltage-gated channel 7; minus strand). Cytogenetic location: 16p13.3.
Variant type: Duplication.
Coding change: c.2049dup on transcript NM_001287.6 (MANE Select); coding-DNA position 2049, one base duplicated (G; older notation c.2049dupG).
Protein change: p.Leu684fs; shifts the reading frame from leucine 684.
Molecular consequence: frameshift variant.
Genome position (GRCh38, 1-based): chr16:1,447,679, C duplicated on the plus strand (G on the coding strand, the reverse complement: CLCN7 is on the minus strand). VCF-style (leftmost placement, unchanged base first): chr16-1447678-G-GC. GRCh37 (hg19) VCF-style: chr16-1497679-G-GC.
Other names: c.1977dup, p.Leu660fs (NM_001114331.3); short protein forms L684fs, L660fs.
Identifiers: ClinVar variation 2014467 (VCV002014467.4), dbSNP rs2505813091, ClinGen allele CA2580090672.

ClinVar aggregate classification (germline): Pathogenic (1 of 4 stars; one submission).

Submission:

Labcorp Genetics (formerly Invitae), Labcorp
Classification: Pathogenic. Last evaluated: 2022-07-06. Review status: criteria provided, single submitter. Criteria: Invitae Variant Classification Sherloc (09022015). Collection method: clinical testing. Allele origin: germline.
Comment: This variant is not present in population databases (gnomAD no frequency). For these reasons, this variant has been classified as Pathogenic. This variant disrupts a region of the CLCN7 protein in which other variant(s) (p.Ser744Phe) have been determined to be pathogenic (PMID: 14584882). This suggests that this is a clinically significant region of the protein, and that variants that disrupt it are likely to be disease-causing. This variant has not been reported in the literature in individuals affected with CLCN7-related conditions. This sequence change results in a frameshift in the CLCN7 gene (p.Leu684Alafs*243). While this is not anticipated to result in nonsense mediated decay, it is expected to disrupt the last 122 amino acid(s) of the CLCN7 protein and extend the protein by 120 additional amino acid residues.

Literature cited by the submitters: PubMed 14584882.